The following is an entry in ClinVar:

NM_001369.3(DNAH5):c.4042del (p.Asp1348fs)

Genes: DNAH5 (dynein axonemal heavy chain 5; minus strand), DNAH5-AS1 (DNAH5 antisense RNA 1; plus strand). Cytogenetic location: 5p15.2.
Variant type: Deletion.
Coding change: c.4042del on transcript NM_001369.3 (MANE Select); coding-DNA position 4042, one base deleted (G; older notation c.4042delG).
Protein change: p.Asp1348fs; shifts the reading frame from aspartic acid 1348.
Molecular consequence: frameshift variant.
Genome position (GRCh38, 1-based): chr5:13,867,785, C deleted on the plus strand (G on the coding strand, the reverse complement: DNAH5 is on the minus strand); the first of 2 consecutive C bases (chr5:13,867,785-13,867,786); deleting either gives the same sequence. VCF-style (leftmost placement, unchanged base first): chr5-13867784-TC-T. GRCh37 (hg19) VCF-style: chr5-13867893-TC-T.
Other names: short protein forms D1348fs.
Identifiers: ClinVar variation 1725270 (VCV001725270.2), dbSNP rs2546987920, ClinGen allele CA2580072180.

ClinVar aggregate classification (germline): Likely pathogenic (1 of 4 stars; one submission).

Conditions:
Primary ciliary dyskinesia 3. Identifiers: Orphanet 244, MedGen C1837618, MONDO:0012085, OMIM 608644.

Submission:

Myriad Genetics, Inc.
Classification: Likely pathogenic for Primary ciliary dyskinesia 3. Last evaluated: 2021-12-02. Review status: criteria provided, single submitter. Criteria: Myriad Women's Health Autosomal Recessive and X-Linked Classification Criteria (2021). Collection method: clinical testing. Allele origin: unknown.
Comment: NM_001369.2(DNAH5):c.4042delG(D1348Tfs*4) is expected to be pathogenic in the context of DNAH5-related primary ciliary dyskinesia. This variant is predicted to lead to an abnormal or absent protein product due to the creation of a premature termination codon in DNAH5, a gene where loss-of-function variants are known to be pathogenic. Please note: this variant was assessed in the context of healthy population screening.